The following is an entry in ClinVar:

NM_002055.5(GFAP):c.370C>T (p.Arg124Trp)

Gene: GFAP (glial fibrillary acidic protein; minus strand). Cytogenetic location: 17q21.31.
Variant type: single nucleotide variant.
Coding change: c.370C>T on transcript NM_002055.5 (MANE Select); coding-DNA position 370, C replaced by T.
Protein change: p.Arg124Trp; replaces arginine 124 with tryptophan.
Molecular consequence: missense variant.
Genome position (GRCh38, 1-based): chr17:44,915,117, G>A on the plus strand (C>T on the coding strand, the complement: GFAP is on the minus strand). VCF-style: chr17-44915117-G-A. GRCh37 (hg19) VCF-style: chr17-42992485-G-A.
Other names: NM_002055.5(GFAP):c.370C>T; p.Arg124Trp; c.370C>T, p.Arg124Trp (NM_001131019.3, NM_001242376.3, NM_001363846.2); short protein forms R124W.
Identifiers: ClinVar variation 3363906 (VCV003363906.4).

ClinVar aggregate classification (germline): Uncertain significance. Review status: reviewed by expert panel (3 of 4 stars). 3 submissions from 3 submitters: Uncertain significance (1). 2 of the submissions do not count toward it. Last evaluated 2026-10-23.

Conditions:
Alexander disease (ALXDRD). Also called: Alexander's disease. Identifiers: Orphanet 58, MedGen C0270726, MONDO:0008752, OMIM 203450.

gnomAD v4.1: 2 of 1,613,888 alleles (0.00012%); highest among the groups gnomAD compares: South Asian, 0.0011%; no homozygotes.

Submissions (3):

ClinGen Leukodystrophy and Leukoencephalopathy Variant Curation Expert Panel, ClinGen
Classification: Uncertain significance for Alexander disease. Last evaluated: 2026-10-23. Review status: reviewed by expert panel. Criteria: ClinGen Leuko ACMG Specifications GFAP V1.0. Collection method: curation. Allele origin: germline. Inheritance: Autosomal dominant inheritance.
Comment: The c.370C>T variant in GFAP is a missense variant predicted to cause substitution of arginine by tryptophan at amino acid 124 (p.Arg124Trp). The total allele frequency in gnomAD v4.1.0 is 0.000001239 (2/1613888 alleles) (PM2_Supporting, BS1, and BA1 not met). This variant has not been reported in any probands/families meeting phenotypic criteria for Alexander disease. Another missense variant [c.371G>A (p.Arg124Gln)] in the same codon has been reported in a patient meeting a probable diagnosis of Alexander disease (Personal communication, Victorian Clinical Genetics Services, ClinVar SCV002766650.2). However, this variant has not yet met the criteria to be classified as pathogenic or likely pathogenic by the ClinGen Leukodystrophy and Leukoencephalopathy VCEP (PM5 not met). In summary, this variant meets the criteria to be classified as a variant of uncertain significance for Alexander disease based on the ACMG/AMP criteria applied, as specified by the ClinGen Leukodystrophy and Leukoencephalopathy Expert Panel Specifications to the ACMG/AMP Variant Interpretation Guidelines for GFAP Version 1.0.0.

Centre for Medical Genetics,  Mumbai
Classification: Likely benign for Alexander disease. Last evaluated: 2026-01-29. Review status: criteria provided, single submitter. Criteria: ACMG Guidelines, 2015. Collection method: provider interpretation. Allele origin: germline. Inheritance: Autosomal dominant inheritance. Affected: no. Observed: 1 heterozygote. Not counted in ClinVar's aggregate classification.
Comment: The variant satisfies PM2 criteria; Extremely low frequency in gnomAD population databases. The variant satisfies PP3 criteria; For a missense or a splicing region variant, computational prediction tools unanimously support a deleterious effect on the gene. The variant satisfies PM5 criteria; Different amino acid change as a known pathogenic variant. The variant satisfies PP2 criteria; Missense variant in a gene with low rate of benign missense mutations and for which missense mutation is a common mechanism of a disease. However, the variant satisfies BS2 criteria.

GeneDx
Classification: Uncertain significance. Last evaluated: 2024-11-05. Review status: criteria provided, single submitter. Criteria: GeneDx Variant Classification Process June 2021. Collection method: clinical testing. Allele origin: germline. Not counted in ClinVar's aggregate classification.
Comment: In silico analysis supports that this missense variant has a deleterious effect on protein structure/function; Has not been previously published as pathogenic or benign to our knowledge

Literature cited by the submitters: PubMed 11138011 (cited by Centre for Medical Genetics,  Mumbai).